The following is an entry in ClinVar:

ClinVar aggregate classification (germline): Uncertain significance (1 of 4 stars; one submission).

Conditions:
Growth hormone insensitivity with immune dysregulation 1, autosomal recessive. Also called: GROWTH HORMONE INSENSITIVITY SYNDROME WITH IMMUNE DYSREGULATION 1, AUTOSOMAL RECESSIVE; GROWTH HORMONE INSENSITIVITY DUE TO POSTRECEPTOR DEFECT; LARON SYNDROME DUE TO POSTRECEPTOR DEFECT; Laron syndrome with immunodeficiency. Identifiers: Orphanet 220465, MedGen C5435698, MONDO:0100211, OMIM 245590.

Allele frequency attached by ClinVar (database versions not stated): gnomAD exomes below 0.00001; ExAC 0.00001.
gnomAD v4.1: 2 of 1,614,152 alleles (0.00012%); highest among the groups gnomAD compares: Admixed American, 0.0033%; no homozygotes.

Submission:

Labcorp Genetics (formerly Invitae), Labcorp
Classification: Uncertain significance for Growth hormone insensitivity with immune dysregulation 1, autosomal recessive. Last evaluated: 2021-05-28. Review status: criteria provided, single submitter. Criteria: Invitae Variant Classification Sherloc (09022015). Collection method: clinical testing. Allele origin: germline.
Comment: In summary, the available evidence is currently insufficient to determine the role of this variant in disease. Therefore, it has been classified as a Variant of Uncertain Significance. Experimental studies have shown that this variant affects STAT5B protein function (PMID: 24825865). This variant has not been reported in the literature in individuals with STAT5B-related conditions. This variant is present in population databases (rs774286856, ExAC 0.001%). This sequence change replaces threonine with serine at codon 628 of the STAT5B protein (p.Thr628Ser). The threonine residue is highly conserved and there is a small physicochemical difference between threonine and serine.

Literature cited by the submitters: PubMed 24825865.

NM_012448.4(STAT5B):c.1883C>G (p.Thr628Ser)

Gene: STAT5B (signal transducer and activator of transcription 5B; minus strand). Cytogenetic location: 17q21.2.
Variant type: single nucleotide variant.
Coding change: c.1883C>G on transcript NM_012448.4 (MANE Select); coding-DNA position 1883, C replaced by G.
Protein change: p.Thr628Ser; replaces threonine 628 with serine.
Molecular consequence: missense variant.
Genome position (GRCh38, 1-based): chr17:42,210,194, G>C on the plus strand (C>G on the coding strand, the complement: STAT5B is on the minus strand). VCF-style: chr17-42210194-G-C. GRCh37 (hg19) VCF-style: chr17-40362212-G-C.
Other names: short protein forms T628S.
Identifiers: ClinVar variation 1355740 (VCV001355740.8), dbSNP rs774286856, ClinGen allele CA8573945.